The following is an entry in ClinVar:

NM_001386795.1(DTNA):c.1808C>T (p.Pro603Leu)

Gene: DTNA (dystrobrevin alpha; plus strand). Cytogenetic location: 18q12.1.
Variant type: single nucleotide variant.
Coding change: c.1808C>T on transcript NM_001386795.1 (MANE Select); coding-DNA position 1808, C replaced by T.
Protein change: p.Pro603Leu; replaces proline 603 with leucine.
Molecular consequence: missense variant.
Genome position (GRCh38, 1-based): chr18:34,875,303, C>T. VCF-style: chr18-34875303-C-T. GRCh37 (hg19) VCF-style: chr18-32455267-C-T.
Other names: c.1568C>T, p.Pro523Leu (NM_001198939.2); c.1547C>T, p.Pro516Leu (NM_001198940.2, NM_001386753.1, NM_001386767.1 and 5 more transcripts); c.854C>T, p.Pro285Leu (NM_001198942.1); c.797C>T, p.Pro266Leu (NM_001198943.1); c.683C>T, p.Pro228Leu (NM_001198944.1); c.1637C>T, p.Pro546Leu (NM_001386754.1, NM_001386755.1, NM_001386756.1 and 3 more transcripts); c.1544C>T, p.Pro515Leu (NM_001386768.1, NM_001386769.1); c.1808C>T, p.Pro603Leu (NM_001386788.1); and 5 more; short protein forms P519L, P285L, P518L, P523L, P545L, P576L, P228L, P546L.
Identifiers: ClinVar variation 4774408 (VCV004774408.1).

ClinVar aggregate classification (germline): Uncertain significance (1 of 4 stars; one submission).

Conditions:
Left ventricular noncompaction 1 (LVNC1). Also called: LEFT VENTRICULAR NONCOMPACTION 1 WITH OR WITHOUT CONGENITAL HEART DEFECTS. Identifiers: Orphanet 54260, MedGen C1858725, MONDO:0011403, OMIM 604169.

Submission:

Labcorp Genetics (formerly Invitae), Labcorp
Classification: Uncertain significance for Left ventricular noncompaction 1. Last evaluated: 2025-05-01. Review status: criteria provided, single submitter. Criteria: Invitae Variant Classification Sherloc (09022015). Collection method: clinical testing. Allele origin: germline.
Comment: This sequence change replaces proline, which is neutral and non-polar, with leucine, which is neutral and non-polar, at codon 576 of the DTNA protein (p.Pro576Leu). This variant is not present in population databases (gnomAD no frequency). This variant has not been reported in the literature in individuals affected with DTNA-related conditions. An algorithm developed to predict the effect of missense changes on protein structure and function (PolyPhen-2) suggests that this variant is likely to be disruptive. In summary, the available evidence is currently insufficient to determine the role of this variant in disease. Therefore, it has been classified as a Variant of Uncertain Significance.